The following is an entry in ClinVar:

ClinVar aggregate classification (germline): Pathogenic (1 of 4 stars; one submission).

Conditions:
Familial isolated arrhythmogenic right ventricular dysplasia. Identifiers: Orphanet 217656, MedGen C4274968, MONDO:0016342.

gnomAD v4.1: 3 of 1,611,218 alleles (0.00019%); highest among the groups gnomAD compares: Non-Finnish European, 0.00025%; no homozygotes.

Submission:

Women's Health and Genetics/Laboratory Corporation of America, LabCorp
Classification: Pathogenic for Familial isolated arrhythmogenic right ventricular dysplasia. Last evaluated: 2025-06-27. Review status: criteria provided, single submitter. Criteria: LabCorp Variant Classification Summary - May 2015. Collection method: clinical testing. Allele origin: germline.
Comment: Variant summary: DSG2 c.1377T>A (p.Tyr459X) results in a premature termination codon, predicted to cause a truncation of the encoded protein or absence of the protein due to nonsense mediated decay, which are commonly known mechanisms for disease. The variant was absent in 248062 control chromosomes. To our knowledge, no occurrence of c.1377T>A in individuals affected with Arrhythmogenic Right Ventricular Dysplasia/Cardiomyopathy and no experimental evidence demonstrating its impact on protein function have been reported. No submitters have cited clinical-significance assessments for this variant to ClinVar. Based on the evidence outlined above, the variant was classified as pathogenic.

NM_001943.5(DSG2):c.1377T>A (p.Tyr459Ter)

Gene: DSG2 (desmoglein 2; plus strand). Cytogenetic location: 18q12.1.
Variant type: single nucleotide variant.
Coding change: c.1377T>A on transcript NM_001943.5 (MANE Select); coding-DNA position 1377, T replaced by A.
Protein change: p.Tyr459Ter; replaces tyrosine 459 with a stop codon.
Molecular consequence: nonsense.
Genome position (GRCh38, 1-based): chr18:31,535,366, T>A. VCF-style: chr18-31535366-T-A. GRCh37 (hg19) VCF-style: chr18-29115329-T-A.
Other names: short protein forms Y459*.
Identifiers: ClinVar variation 3907391 (VCV003907391.1).